The following is an entry in ClinVar:

ClinVar aggregate classification (germline): Uncertain significance. Review status: criteria provided, single submitter (1 of 4 stars). 2 submissions from 2 submitters: Uncertain significance (1). 1 of the submissions does not count toward it. Last evaluated 2022-06-13.

Conditions:
ADGRG1-related disorder. Also called: ADGRG1-related condition.

Allele frequency attached by ClinVar (database versions not stated): gnomAD exomes 0.00003; TOPMed 0.00003.
gnomAD v4.1: 51 of 1,613,470 alleles (0.0032%); highest among the groups gnomAD compares: South Asian, 0.026%; no homozygotes.

Submissions (2):

Labcorp Genetics (formerly Invitae), Labcorp
Classification: Uncertain significance. Last evaluated: 2022-06-13. Review status: criteria provided, single submitter. Criteria: Invitae Variant Classification Sherloc (09022015). Collection method: clinical testing. Allele origin: germline.
Comment: This sequence change replaces arginine, which is basic and polar, with glutamine, which is neutral and polar, at codon 565 of the ADGRG1 protein (p.Arg565Gln). This variant is present in population databases (rs539751161, gnomAD 0.04%). This variant has not been reported in the literature in individuals affected with ADGRG1-related conditions. Advanced modeling of protein sequence and biophysical properties (such as structural, functional, and spatial information, amino acid conservation, physicochemical variation, residue mobility, and thermodynamic stability) performed at Invitae indicates that this missense variant is not expected to disrupt ADGRG1 protein function. Algorithms developed to predict the effect of sequence changes on RNA splicing suggest that this variant may create or strengthen a splice site. This variant disrupts the p.Arg565 amino acid residue in ADGRG1. Other variant(s) that disrupt this residue have been determined to be pathogenic (PMID: 15044805, 19016831, 21349848, 24949629, 28424266). This suggests that this residue is clinically significant, and that variants that disrupt this residue are likely to be disease-causing. In summary, the available evidence is currently insufficient to determine the role of this variant in disease. Therefore, it has been classified as a Variant of Uncertain Significance.

PreventionGenetics, part of Exact Sciences
Classification: Uncertain significance for ADGRG1-related condition. Last evaluated: 2024-05-24. Review status: no assertion criteria provided. Collection method: clinical testing. Allele origin: germline. Not counted in ClinVar's aggregate classification.
Comment: The ADGRG1 c.1694G>A variant is predicted to result in the amino acid substitution p.Arg565Gln. To our knowledge, this variant has not been reported in the literature. This variant is reported in 0.043% of alleles in individuals of South Asian descent in gnomAD. Another nucleotide change affecting this amino acid (p.Arg565Trp) has been reported in the homozygous state in individuals with bilateral frontoparietal polymicrogyria (Piao et al. 2005. PubMed ID: 16240336). At this time, the clinical significance of this variant is uncertain due to the absence of conclusive functional and genetic evidence.

Literature cited by the submitters: PubMed 15044805 (cited by Labcorp Genetics (formerly Invitae), Labcorp); PubMed 19016831 (cited by Labcorp Genetics (formerly Invitae), Labcorp); PubMed 21349848 (cited by Labcorp Genetics (formerly Invitae), Labcorp); PubMed 24949629 (cited by Labcorp Genetics (formerly Invitae), Labcorp); PubMed 28424266 (cited by Labcorp Genetics (formerly Invitae), Labcorp).

NM_201525.4(ADGRG1):c.1676G>A (p.Arg559Gln)

Gene: ADGRG1 (adhesion G protein-coupled receptor G1; plus strand). Cytogenetic location: 16q21.
Variant type: single nucleotide variant.
Coding change: c.1676G>A on transcript NM_201525.4 (MANE Select); coding-DNA position 1676, G replaced by A.
Protein change: p.Arg559Gln; replaces arginine 559 with glutamine.
Molecular consequence: missense variant.
Genome position (GRCh38, 1-based): chr16:57,661,708, G>A. VCF-style: chr16-57661708-G-A. GRCh37 (hg19) VCF-style: chr16-57695620-G-A.
Other names: c.1676G>A, p.Arg559Gln (NM_001145770.3, NM_001145772.3, NM_001145774.3 and 7 more transcripts); c.1694G>A, p.Arg565Gln (NM_001145771.3, NM_001370428.1, NM_001370429.1 and 4 more transcripts); c.1691G>A, p.Arg564Gln (NM_001145773.3, NM_001370433.1, NM_001370434.1); c.1184G>A, p.Arg395Gln (NM_001290142.2); c.1169G>A, p.Arg390Gln (NM_001290143.2); c.1151G>A, p.Arg384Gln (NM_001290144.2, NM_001370451.1, NM_001370453.1 and 1 more transcripts); c.1673G>A, p.Arg558Gln (NM_001370441.1); c.1520G>A, p.Arg507Gln (NM_001370442.1); and 1 more; short protein forms R390Q, R507Q, R565Q, R384Q, R395Q, R559Q, R564Q, R558Q.
Identifiers: ClinVar variation 2202529 (VCV002202529.2), dbSNP rs539751161, ClinGen allele CA8078835.